The following is an entry in ClinVar:

NM_001368882.1(COL13A1):c.1596A>T (p.Gly532=)

Gene: COL13A1 (collagen type XIII alpha 1 chain; plus strand). Cytogenetic location: 10q22.1.
Variant type: single nucleotide variant.
Coding change: c.1596A>T on transcript NM_001368882.1 (MANE Select); coding-DNA position 1596, A replaced by T.
Protein change: p.Gly532=; no amino-acid change (glycine 532 retained).
Molecular consequence: synonymous variant.
Genome position (GRCh38, 1-based): chr10:69,930,465, A>T. VCF-style: chr10-69930465-A-T. GRCh37 (hg19) VCF-style: chr10-71690221-A-T.
Other names: p.Gly521=; c.1563A>T, p.Gly521= (NM_001130103.2); c.1533A>T, p.Gly511= (NM_001320951.2, NM_001368884.1); c.1560A>T, p.Gly520= (NM_001368883.1); c.1497A>T, p.Gly499= (NM_001368885.1, NM_080801.4, NM_080802.4); c.933A>T, p.Gly311= (NM_001368886.1); c.1506A>T, p.Gly502= (NM_001368895.1, NM_080800.4); c.1392A>T, p.Gly464= (NM_001368896.1, NM_001368898.1, NM_080798.4); and 2 more.
Identifiers: ClinVar variation 774471 (VCV000774471.34), dbSNP rs200631381, ClinGen allele CA5534840.

ClinVar aggregate classification (germline): Benign/Likely benign. Review status: criteria provided, multiple submitters, no conflicts (2 of 4 stars). 5 submissions from 5 submitters: Benign (3); Likely benign (1). 1 of the submissions does not count toward it. Last evaluated 2026-08-01.

Conditions:
COL13A1-related disorder. Also called: COL13A1-related condition.

Allele frequency attached by ClinVar (database versions not stated): 1000 Genomes Project 30x 0.00078; 1000 Genomes Project 0.00100; TOPMed 0.00147; gnomAD 0.00162 and 0.00166; gnomAD exomes 0.00172 and 0.00288; ExAC 0.00183; ESP Exome Variant Server 0.00216.
gnomAD v4.1: 4,395 of 1,613,566 alleles (0.27%); highest among the groups gnomAD compares: Non-Finnish European, 0.35%; 6 homozygotes.

Submissions (5):

CeGaT Center for Human Genetics Tuebingen
Classification: Likely benign. Last evaluated: 2026-08-01. Review status: criteria provided, single submitter. Criteria: CeGaT Center For Human Genetics Tuebingen Variant Classification Criteria Version 2. Collection method: clinical testing. Allele origin: germline. Affected: yes. Observed: 2 variant alleles.
Comment: COL13A1: BP4, BP7

Labcorp Genetics (formerly Invitae), Labcorp
Classification: Benign. Last evaluated: 2026-01-18. Review status: criteria provided, single submitter. Criteria: Invitae Variant Classification Sherloc (09022015). Collection method: clinical testing. Allele origin: germline.

Mayo Clinic Laboratories, Mayo Clinic
Classification: Benign. Last evaluated: 2024-11-27. Review status: criteria provided, single submitter. Criteria: ACMG Guidelines, 2015. Collection method: clinical testing. Allele origin: germline. Observed: 2 variant alleles.
Comment: BS1, BS2, BP4, BP7

Breakthrough Genomics
Classification: Benign. Review status: criteria provided, single submitter. Criteria: ACMG Guidelines, 2015. Collection method: not provided. Allele origin: germline. Inheritance: Autosomal recessive inheritance. Affected: yes.

PreventionGenetics, part of Exact Sciences
Classification: Likely benign for COL13A1-related condition. Last evaluated: 2020-02-12. Review status: no assertion criteria provided. Collection method: clinical testing. Allele origin: germline. Not counted in ClinVar's aggregate classification.
Comment: This variant is classified as likely benign based on ACMG/AMP sequence variant interpretation guidelines (Richards et al. 2015 PMID: 25741868, with internal and published modifications).